The following is an entry in ClinVar:

NM_005591.4(MRE11):c.919T>C (p.Phe307Leu)

Gene: MRE11 (MRE11 double strand break repair nuclease; minus strand). Cytogenetic location: 11q21.
Variant type: single nucleotide variant.
Coding change: c.919T>C on transcript NM_005591.4 (MANE Select); coding-DNA position 919, T replaced by C.
Protein change: p.Phe307Leu; replaces phenylalanine 307 with leucine.
Molecular consequence: missense variant.
Genome position (GRCh38, 1-based): chr11:94,470,569, A>G on the plus strand (T>C on the coding strand, the complement: MRE11 is on the minus strand). VCF-style: chr11-94470569-A-G. GRCh37 (hg19) VCF-style: chr11-94203735-A-G.
Other names: c.919T>C, p.Phe307Leu (NM_001330347.2, NM_005590.4); short protein forms F307L.
Identifiers: ClinVar variation 1800351 (VCV001800351.2), dbSNP rs1173443352, ClinGen allele CA382374476.

ClinVar aggregate classification (germline): Uncertain significance (1 of 4 stars; one submission).

Conditions:
Hereditary cancer-predisposing syndrome. Also called: Neoplastic Syndromes, Hereditary; Tumor predisposition; Hereditary Cancer Syndrome; Hereditary neoplastic syndrome. Identifiers: Orphanet 140162, MedGen C0027672, MeSH D009386, MONDO:0015356.

Allele frequency attached by ClinVar (database versions not stated): gnomAD exomes below 0.00001; TOPMed below 0.00001.
gnomAD v4.1: 1 of 1,613,290 alleles (0.000062%); highest among the groups gnomAD compares: Non-Finnish European, 0.000085%; no homozygotes.

Submission:

Ambry Genetics
Classification: Uncertain significance for Hereditary cancer-predisposing syndrome. Last evaluated: 2022-03-18. Review status: criteria provided, single submitter. Criteria: Ambry Variant Classification Scheme 2023. Collection method: clinical testing. Allele origin: germline.
Comment: The p.F307L variant (also known as c.919T>C), located in coding exon 8 of the MRE11A gene, results from a T to C substitution at nucleotide position 919. The phenylalanine at codon 307 is replaced by leucine, an amino acid with highly similar properties. This amino acid position is highly conserved in available vertebrate species. In addition, this alteration is predicted to be deleterious by in silico analysis. Since supporting evidence is limited at this time, the clinical significance of this alteration remains unclear.